The following is an entry in ClinVar:

ClinVar aggregate classification (germline): Benign/Likely benign. Review status: criteria provided, multiple submitters, no conflicts (2 of 4 stars). 3 submissions from 3 submitters: Benign (1); Likely benign (2). Last evaluated 2026-08-03.

Conditions:
Hereditary cancer-predisposing syndrome. Also called: Neoplastic Syndromes, Hereditary; Tumor predisposition; Hereditary Cancer Syndrome; Hereditary neoplastic syndrome. Identifiers: Orphanet 140162, MedGen C0027672, MeSH D009386, MONDO:0015356.
Tuberous sclerosis 2 (TSC2). Identifiers: Orphanet 805, MedGen C1860707, MONDO:0013199, OMIM 613254.

Allele frequency attached by ClinVar (database versions not stated): gnomAD exomes below 0.00001.
gnomAD v4.1: 2 of 1,592,668 alleles (0.00013%); highest among the groups gnomAD compares: African/African-American, 0.0013%; no homozygotes.

Submissions (3):

Ambry Genetics
Classification: Likely benign for Hereditary cancer-predisposing syndrome. Last evaluated: 2026-08-03. Review status: criteria provided, single submitter. Criteria: Ambry Variant Classification Scheme 2023. Collection method: clinical testing. Allele origin: germline.

Myriad Genetics, Inc.
Classification: Benign for Tuberous sclerosis 2. Last evaluated: 2025-05-02. Review status: criteria provided, single submitter. Criteria: Myriad Autosomal Dominant, Autosomal Recessive and X-Linked Classification Criteria (2023). Collection method: clinical testing. Allele origin: unknown.
Comment: This variant is considered benign. This variant is a silent/synonymous amino acid change and it is not expected to impact splicing.

Labcorp Genetics (formerly Invitae), Labcorp
Classification: Likely benign for Tuberous sclerosis 2. Last evaluated: 2022-05-23. Review status: criteria provided, single submitter. Criteria: Invitae Variant Classification Sherloc (09022015). Collection method: clinical testing. Allele origin: germline.

NM_000548.5(TSC2):c.276G>A (p.Glu92=)

Gene: TSC2 (TSC complex subunit 2; plus strand). Cytogenetic location: 16p13.3.
Variant type: single nucleotide variant.
Coding change: c.276G>A on transcript NM_000548.5 (MANE Select); coding-DNA position 276, G replaced by A.
Protein change: p.Glu92=; no amino-acid change (glutamic acid 92 retained).
Molecular consequence: synonymous variant. On other transcripts: intron variant (2).
Genome position (GRCh38, 1-based): chr16:2,053,392, G>A. VCF-style: chr16-2053392-G-A. GRCh37 (hg19) VCF-style: chr16-2103393-G-A.
Other names: c.276G>A, p.Glu92= (NM_001077183.3, NM_001114382.3, NM_001363528.2 and 3 more transcripts); c.129G>A, p.Glu43= (NM_001318829.2); c.309G>A, p.Glu103= (NM_001318832.2); c.226-904G>A (NM_001318827.2); c.-1-2804G>A (NM_001318831.2); c.276G>A (NM_000548.3).
Identifiers: ClinVar variation 1107008 (VCV001107008.11), dbSNP rs1271369775, ClinGen allele CA492955214.
Genomic context (GRCh38, chr16:2,053,392, plus strand): 5'-CTGGTGACAGCACGCAGTGGAAGCACTCTGGAAGGCGGTCGCGGATCTGTTGCAGCCGGA[G>A]CGGCCGCTGGAGGCCCGGCACGCGGTGCTGGCTCTGCTGAAGGCCATCGTGCAGGGGCAG-3'
Protein context (NP_000539.2, residues 82-102): WKAVADLLQP[Glu92=]RPLEARHAVL